The following is an entry in ClinVar:

NM_001999.4(FBN2):c.4453G>A (p.Asp1485Asn)

Gene: FBN2 (fibrillin 2; minus strand). Cytogenetic location: 5q23.3.
Variant type: single nucleotide variant.
Coding change: c.4453G>A on transcript NM_001999.4 (MANE Select); coding-DNA position 4453, G replaced by A.
Protein change: p.Asp1485Asn; replaces aspartic acid 1485 with asparagine.
Molecular consequence: missense variant.
Genome position (GRCh38, 1-based): chr5:128,328,714, C>T on the plus strand (G>A on the coding strand, the complement: FBN2 is on the minus strand). VCF-style: chr5-128328714-C-T. GRCh37 (hg19) VCF-style: chr5-127664406-C-T.
Other names: short protein forms D1485N.
Identifiers: ClinVar variation 576982 (VCV000576982.17), dbSNP rs187786356, ClinGen allele CA3394964.

ClinVar aggregate classification (germline): Conflicting classifications of pathogenicity. Review status: criteria provided, conflicting classifications (1 of 4 stars). 5 submissions from 5 submitters: Uncertain significance (4); Benign (1). Last evaluated 2025-12-22.

Conditions:
Connective tissue disorder. Also called: Connective tissue disease. Identifiers: MedGen C0009782, MONDO:0003900.
Congenital contractural arachnodactyly (CCA). Also called: BEALS SYNDROME; Beals-Hecht syndrome; Arthrogryposis, distal, type 9. Identifiers: Orphanet 115, MedGen C0220668, MONDO:0007363, OMIM 121050.
Familial thoracic aortic aneurysm and aortic dissection (TAAD). Also called: Thoracic aortic aneurysms and dissections. Identifiers: Orphanet 91387, MedGen C4707243, MONDO:0019625.

Allele frequency attached by ClinVar (database versions not stated): ExAC 0.00001; gnomAD 0.00001; TOPMed 0.00001; gnomAD exomes 0.00002; 1000 Genomes Project 0.00020; 1000 Genomes Project 30x 0.00031.
gnomAD v4.1: 19 of 1,614,132 alleles (0.0012%); highest among the groups gnomAD compares: Admixed American, 0.0067%; no homozygotes.

Submissions (5):

Ambry Genetics
Classification: Uncertain significance for Familial thoracic aortic aneurysm and aortic dissection. Last evaluated: 2025-12-22. Review status: criteria provided, single submitter. Criteria: Ambry Variant Classification Scheme 2023. Collection method: clinical testing. Allele origin: germline.
Comment: The p.D1485N variant (also known as c.4453G>A), located in coding exon 34 of the FBN2 gene, results from a G to A substitution at nucleotide position 4453. The aspartic acid at codon 1485 is replaced by asparagine, an amino acid with highly similar properties. This amino acid position is highly conserved in available vertebrate species. In addition, this alteration is predicted to be tolerated by in silico analysis. Based on the available evidence, the clinical significance of this variant remains unclear.

Labcorp Genetics (formerly Invitae), Labcorp
Classification: Benign for Congenital contractural arachnodactyly. Last evaluated: 2025-03-27. Review status: criteria provided, single submitter. Criteria: Invitae Variant Classification Sherloc (09022015). Collection method: clinical testing. Allele origin: germline.

GeneDx
Classification: Uncertain significance. Last evaluated: 2024-08-22. Review status: criteria provided, single submitter. Criteria: GeneDx Variant Classification Process June 2021. Collection method: clinical testing. Allele origin: germline.
Comment: Has not been previously published as pathogenic or benign to our knowledge; Not observed at significant frequency in large population cohorts (gnomAD); In silico analysis supports that this missense variant has a deleterious effect on protein structure/function; This variant is associated with the following publications: (PMID: 18767143, 19006240)

Blueprint Genetics
Classification: Uncertain significance. Last evaluated: 2023-12-15. Review status: criteria provided, single submitter. Criteria: ACMG Guidelines, 2015. Collection method: clinical testing. Allele origin: germline.

Genome Diagnostics Laboratory, The Hospital for Sick Children
Classification: Uncertain significance for Connective tissue disorder. Last evaluated: 2020-02-01. Review status: criteria provided, single submitter. Criteria: ACMG Guidelines, 2015. Collection method: clinical testing. Allele origin: germline.

Literature cited by the submitters: PubMed 28087566 (cited by Ambry Genetics).